The following is an entry in ClinVar:

ClinVar aggregate classification (germline): Conflicting classifications of pathogenicity. Review status: criteria provided, conflicting classifications (1 of 4 stars). 2 submissions from 2 submitters: Uncertain significance (1); Likely benign (1). Last evaluated 2024-09-04.

Conditions:
Cardiovascular phenotype. Identifiers: MedGen CN230736.
Hypertrophic cardiomyopathy 14. Identifiers: MedGen C2750467, MONDO:0013197, OMIM 613251.

Allele frequency attached by ClinVar (database versions not stated): gnomAD exomes below 0.00001; TOPMed below 0.00001.
gnomAD v4.1: 1 of 1,614,144 alleles (0.000062%); no homozygotes.

Submissions (2):

Ambry Genetics
Classification: Uncertain significance for Cardiovascular phenotype. Last evaluated: 2024-09-04. Review status: criteria provided, single submitter. Criteria: Ambry Variant Classification Scheme 2023. Collection method: clinical testing. Allele origin: germline.
Comment: The c.5164-5T>G intronic variant results from a T to G substitution 5 nucleotides upstream from coding exon 33 in the MYH6 gene. This nucleotide position is well conserved in available vertebrate species. In silico splice site analysis predicts that this alteration will not have any significant effect on splicing. Based on the available evidence, the clinical significance of this variant remains unclear.

Labcorp Genetics (formerly Invitae), Labcorp
Classification: Likely benign for Hypertrophic cardiomyopathy 14. Last evaluated: 2022-05-10. Review status: criteria provided, single submitter. Criteria: Invitae Variant Classification Sherloc (09022015). Collection method: clinical testing. Allele origin: germline.

NM_002471.4(MYH6):c.5164-5T>G

Gene: MYH6 (myosin heavy chain 6; minus strand). Cytogenetic location: 14q11.2.
Variant type: single nucleotide variant.
Coding change: c.5164-5T>G on transcript NM_002471.4 (MANE Select); 5 bases into the intron before coding-DNA position 5164, T replaced by G.
Molecular consequence: intron variant.
Genome position (GRCh38, 1-based): chr14:23,385,046, A>C on the plus strand (T>G on the coding strand, the complement: MYH6 is on the minus strand). VCF-style: chr14-23385046-A-C. GRCh37 (hg19) VCF-style: chr14-23854255-A-C.
Other names: c.5164-5T>G (NM_002471.3).
Identifiers: ClinVar variation 2182794 (VCV002182794.5), dbSNP rs1890979278, ClinGen allele CA2123409579.
Genomic context (GRCh38, chr14:23,385,046, plus strand): 5'-TGGAGCTGGGTCAGATCCGACTCCATCTTCTTCTTCTGGTTGATGAGGCTGGTGTTCTAG[A>C]CATGGAGAGAGAAAAATGATCAAATATATACTACACTTTGTTACCTGATTTCATACCCTT-3'